The following is an entry in ClinVar:

ClinVar aggregate classification (germline): Uncertain significance. Review status: criteria provided, multiple submitters, no conflicts (2 of 4 stars). 8 submissions from 8 submitters: Uncertain significance (6). 2 of the submissions do not count toward it. Last evaluated 2026-04-22.

Conditions:
NPC1-related disorder. Also called: NPC1-related condition.
Inborn genetic diseases. Identifiers: MedGen C0950123, MeSH D030342.
Niemann-Pick disease, type C1. Also called: NIEMANN-PICK DISEASE, VARIANT TYPE C1; NEUROVISCERAL STORAGE DISEASE WITH VERTICAL SUPRANUCLEAR OPHTHALMOPLEGIA; NIEMANN-PICK DISEASE WITH CHOLESTEROL ESTERIFICATION BLOCK; NIEMANN-PICK DISEASE WITHOUT SPHINGOMYELINASE DEFICIENCY; NIEMANN-PICK DISEASE, CHRONIC NEURONOPATHIC FORM. Identifiers: Orphanet 646, MedGen C3179455, MONDO:0009757, OMIM 257220.

Allele frequency attached by ClinVar (database versions not stated): gnomAD exomes 0.00005 and 0.00011; 1000 Genomes Project 30x 0.00031; 1000 Genomes Project 0.00040; TOPMed 0.00043; ExAC 0.00016; ESP Exome Variant Server 0.00054; gnomAD 0.00044 and 0.00047.
gnomAD v4.1: 134 of 1,614,048 alleles (0.0083%); highest among the groups gnomAD compares: African/African-American, 0.14%; no homozygotes.

Submissions (8):

GeneDx
Classification: Uncertain significance. Last evaluated: 2026-04-22. Review status: criteria provided, single submitter. Criteria: GeneDx Variant Classification Process June 2021. Collection method: clinical testing. Allele origin: germline.
Comment: In silico analysis supports that this missense variant has a deleterious effect on protein structure/function; This variant is associated with the following publications: (PMID: Kandakatla2014[Article], Almeida2025[casereport])

Ambry Genetics
Classification: Uncertain significance for Inborn genetic diseases. Last evaluated: 2025-09-24. Review status: criteria provided, single submitter. Criteria: Ambry Variant Classification Scheme 2023. Collection method: clinical testing. Allele origin: germline.
Comment: The c.3548G>A (p.R1183H) alteration is located in exon 23 (coding exon 23) of the NPC1 gene. This alteration results from a G to A substitution at nucleotide position 3548, causing the arginine (R) at amino acid position 1183 to be replaced by a histidine (H). Based on data from gnomAD, the frequency for this variant is above the maximum credible frequency for a disease-causing variant in this gene based on internally established thresholds (Karczewski, 2020; Whiffin, 2017). This amino acid position is highly conserved in available vertebrate species. The p.R1183H alteration is predicted to be deleterious by in silico analysis. Based on insufficient or conflicting evidence, the clinical significance of this alteration remains unclear.

Labcorp Genetics (formerly Invitae), Labcorp
Classification: Uncertain significance for Niemann-Pick disease, type C1. Last evaluated: 2022-10-25. Review status: criteria provided, single submitter. Criteria: Invitae Variant Classification Sherloc (09022015). Collection method: clinical testing. Allele origin: germline.
Comment: This sequence change replaces arginine, which is basic and polar, with histidine, which is basic and polar, at codon 1183 of the NPC1 protein (p.Arg1183His). This variant is present in population databases (rs148035987, gnomAD 0.2%). This variant has not been reported in the literature in individuals affected with NPC1-related conditions. ClinVar contains an entry for this variant (Variation ID: 594562). Advanced modeling of protein sequence and biophysical properties (such as structural, functional, and spatial information, amino acid conservation, physicochemical variation, residue mobility, and thermodynamic stability) performed at Invitae indicates that this missense variant is expected to disrupt NPC1 protein function. In summary, the available evidence is currently insufficient to determine the role of this variant in disease. Therefore, it has been classified as a Variant of Uncertain Significance.

Fulgent Genetics
Classification: Uncertain significance for Niemann-Pick disease, type C1. Last evaluated: 2021-12-13. Review status: criteria provided, single submitter. Criteria: ACMG Guidelines, 2015. Collection method: clinical testing. Allele origin: unknown.

Eurofins Ntd Llc (ga)
Classification: Uncertain significance. Last evaluated: 2017-10-16. Review status: criteria provided, single submitter. Criteria: EGL Classification Definitions 2015. Collection method: clinical testing. Allele origin: germline. Observed: 2 variant alleles, 2 heterozygotes.

Illumina Laboratory Services, Illumina
Classification: Uncertain significance for Niemann-Pick disease type C1. Last evaluated: 2017-04-27. Review status: criteria provided, single submitter. Criteria: ICSL Variant Classification Criteria 13 December 2019. Collection method: clinical testing. Allele origin: germline.

PreventionGenetics, part of Exact Sciences
Classification: Likely benign for NPC1-related condition. Last evaluated: 2022-02-28. Review status: no assertion criteria provided. Collection method: clinical testing. Allele origin: germline. Not counted in ClinVar's aggregate classification.
Comment: This variant is classified as likely benign based on ACMG/AMP sequence variant interpretation guidelines (Richards et al. 2015 PMID: 25741868, with internal and published modifications).

Natera, Inc.
Classification: Uncertain significance for Niemann-Pick disease type C1. Last evaluated: 2020-09-16. Review status: no assertion criteria provided. Collection method: clinical testing. Allele origin: germline. Not counted in ClinVar's aggregate classification.

Literature cited by the submitters: PubMed 28518168 (cited by Ambry Genetics); PubMed 32461654 (cited by Ambry Genetics).

NM_000271.5(NPC1):c.3548G>A (p.Arg1183His)

Gene: NPC1 (NPC intracellular cholesterol transporter 1; minus strand). Cytogenetic location: 18q11.2.
Variant type: single nucleotide variant.
Coding change: c.3548G>A on transcript NM_000271.5 (MANE Select); coding-DNA position 3548, G replaced by A.
Protein change: p.Arg1183His; replaces arginine 1183 with histidine.
Molecular consequence: missense variant.
Genome position (GRCh38, 1-based): chr18:23,534,489, C>T on the plus strand (G>A on the coding strand, the complement: NPC1 is on the minus strand). VCF-style: chr18-23534489-C-T. GRCh37 (hg19) VCF-style: chr18-21114453-C-T.
Other names: short protein forms R1183H.
Identifiers: ClinVar variation 594562 (VCV000594562.20), dbSNP rs148035987, ClinGen allele CA8912738.